The following is an entry in ClinVar:

ClinVar aggregate classification (germline): Uncertain significance (1 of 4 stars; one submission).

Submission:

GeneDx
Classification: Uncertain significance. Last evaluated: 2022-07-22. Review status: criteria provided, single submitter. Criteria: GeneDx Variant Classification Process June 2021. Collection method: clinical testing. Allele origin: germline. Affected: yes.
Comment: Not observed at significant frequency in large population cohorts (gnomAD); In silico analysis supports that this missense variant has a deleterious effect on protein structure/function; Has not been previously published as pathogenic or benign to our knowledge

NM_001385012.1(NBEA):c.3806A>T (p.Asp1269Val)

Gene: NBEA (neurobeachin; plus strand). Cytogenetic location: 13q13.3.
Variant type: single nucleotide variant.
Coding change: c.3806A>T on transcript NM_001385012.1 (MANE Select); coding-DNA position 3806, A replaced by T.
Protein change: p.Asp1269Val; replaces aspartic acid 1269 with valine.
Molecular consequence: missense variant.
Genome position (GRCh38, 1-based): chr13:35,159,977, A>T. VCF-style: chr13-35159977-A-T. GRCh37 (hg19) VCF-style: chr13-35734114-A-T.
Other names: c.3806A>T, p.Asp1269Val (NM_001379245.1, NM_015678.5); short protein forms D1269V.
Identifiers: ClinVar variation 1697986 (VCV001697986.2), dbSNP rs2152711447, ClinGen allele CA387838967.
Genomic context (GRCh38, chr13:35,159,977, plus strand): 5'-GCAAAATTGTACCAAATATTGATGCAGGAAGTATAATTTCAGATACTGAAAGGTCTGACG[A>T]TGGCAAAGAATCAGGAAAAGAAATCCGAAAAATCCAAACAACTACTACGACACAAGTAAG-3'
Protein context (NP_001371941.1, residues 1259-1279): SIISDTERSD[Asp1269Val]GKESGKEIRK